The following is an entry in ClinVar:

NM_004168.4(SDHA):c.1801A>T (p.Ile601Phe)

Gene: SDHA (succinate dehydrogenase complex flavoprotein subunit A; plus strand). Cytogenetic location: 5p15.33.
Variant type: single nucleotide variant.
Coding change: c.1801A>T on transcript NM_004168.4 (MANE Select); coding-DNA position 1801, A replaced by T.
Protein change: p.Ile601Phe; replaces isoleucine 601 with phenylalanine.
Molecular consequence: missense variant.
Genome position (GRCh38, 1-based): chr5:254,399, A>T. VCF-style: chr5-254399-A-T. GRCh37 (hg19) VCF-style: chr5-254514-A-T.
Other names: c.1657A>T, p.Ile553Phe (NM_001294332.2); c.1558A>T, p.Ile520Phe (NM_001330758.2); short protein forms I601F, I520F, I553F.
Identifiers: ClinVar variation 4827315 (VCV004827315.1).

ClinVar aggregate classification (germline): Uncertain significance (1 of 4 stars; one submission).

Conditions:
Hereditary cancer-predisposing syndrome. Also called: Neoplastic Syndromes, Hereditary; Tumor predisposition; Hereditary Cancer Syndrome; Hereditary neoplastic syndrome. Identifiers: Orphanet 140162, MedGen C0027672, MeSH D009386, MONDO:0015356.

Submission:

Ambry Genetics
Classification: Uncertain significance for Hereditary cancer-predisposing syndrome. Last evaluated: 2026-03-12. Review status: criteria provided, single submitter. Criteria: Ambry Variant Classification Scheme 2023. Collection method: clinical testing. Allele origin: germline.
Comment: The p.I601F variant (also known as c.1801A>T), located in coding exon 14 of the SDHA gene, results from an A to T substitution at nucleotide position 1801. The isoleucine at codon 601 is replaced by phenylalanine, an amino acid with highly similar properties. This amino acid position is conserved. In addition, the in silico prediction for this alteration is inconclusive. Based on the available evidence, the clinical significance of this variant remains unclear.